The following is an entry in ClinVar:

ClinVar aggregate classification (germline): Pathogenic/Likely pathogenic. Review status: criteria provided, multiple submitters, no conflicts (2 of 4 stars). 3 submissions from 3 submitters: Pathogenic (1); Likely pathogenic (2). Last evaluated 2026-05-29.

Conditions:
Familial thoracic aortic aneurysm and aortic dissection (TAAD). Also called: Thoracic aortic aneurysms and dissections. Identifiers: Orphanet 91387, MedGen C4707243, MONDO:0019625.
Loeys-Dietz syndrome 1 (LDS1). Also called: FURLONG SYNDROME; TGFBR1-Related Loeys-Dietz Syndrome; AORTIC ANEURYSM, FAMILIAL THORACIC 5. Identifiers: Orphanet 60030, MedGen C4551955, MONDO:0012212, OMIM 609192.

Submissions (3):

Ambry Genetics
Classification: Likely pathogenic for Familial thoracic aortic aneurysm and aortic dissection. Last evaluated: 2026-05-29. Review status: criteria provided, single submitter. Criteria: Ambry Variant Classification Scheme 2023. Collection method: clinical testing. Allele origin: germline.
Comment: The p.W504* variant (also known as c.1512G>A), located in coding exon 6 of the TGFBR2 gene, results from a G to A substitution at nucleotide position 1512. This changes the amino acid from a tryptophan to a stop codon within coding exon 6. This variant was reported in individual(s) with features consistent with TGFBR2-related Loeys-Dietz syndrome (LDS); in at least one individual, it was determined to be de novo (Stheneur C et al. Hum Mutat, 2008 Nov;29:E284-95; Attias D et al. Circulation, 2009 Dec;120:2541-9; Yang JH et al. J Hum Genet, 2012 Jan;57:52-6; Pees C et al. Clin Genet, 2014 Dec;86:552-7; external communication; Ambry internal data). This alteration occurs at the 3' terminus of theTGFBR2 gene and is not expected to trigger nonsense-mediated mRNA decay. However, this variant impacts the protein kinase domain, a critical region of the protein, and multiple nonsense and missense varaints in the C-terminal end of the kinase domain have been associated with LDS or LDS-related phenotypes (Loeys BL et al. N. Engl. J. Med. 2006;355:788-98; Stheneur C et al. Hum. Mutat. 2008;29:E284-95; Horbelt D et al. J. Cell. Sci. 2010;123:4340-50; Ambry internal data). This variant is considered to be rare based on population cohorts in the Genome Aggregation Database (gnomAD). Based on the majority of available evidence to date, this variant is likely to be pathogenic.

Labcorp Genetics (formerly Invitae), Labcorp
Classification: Likely pathogenic for Familial thoracic aortic aneurysm and aortic dissection. Last evaluated: 2023-08-09. Review status: criteria provided, single submitter. Criteria: Invitae Variant Classification Sherloc (09022015). Collection method: clinical testing. Allele origin: germline.
Comment: In summary, the currently available evidence indicates that the variant is pathogenic, but additional data are needed to prove that conclusively. Therefore, this variant has been classified as Likely Pathogenic. ClinVar contains an entry for this variant (Variation ID: 694685). This premature translational stop signal has been observed in individual(s) with clinical features of TGFBR2-related conditions (PMID: 18781618, 22113417; Invitae; ClinVar Variation ID: 694685). In at least one individual the variant was observed to be de novo. This variant is not present in population databases (gnomAD no frequency). This sequence change creates a premature translational stop signal (p.Trp504*) in the TGFBR2 gene. While this is not anticipated to result in nonsense mediated decay, it is expected to disrupt the last 64 amino acid(s) of the TGFBR2 protein.

Institute for Genomic Statistics and Bioinformatics, University Hospital Bonn
Classification: Pathogenic for Loeys-Dietz syndrome 1. Review status: criteria provided, single submitter. Criteria: ACMG Guidelines, 2015. Collection method: clinical testing. Allele origin: unknown. Affected: yes. Observed: 1 variant allele.

Literature cited by the submitters: PubMed 18781618 (cited by Ambry Genetics and Labcorp Genetics (formerly Invitae), Labcorp); PubMed 19996017 (cited by Ambry Genetics); PubMed 22113417 (cited by Ambry Genetics and Labcorp Genetics (formerly Invitae), Labcorp); PubMed 24199744 (cited by Ambry Genetics); PubMed 694685 (cited by Labcorp Genetics (formerly Invitae), Labcorp).

NM_003242.6(TGFBR2):c.1512G>A (p.Trp504Ter)

Gene: TGFBR2 (transforming growth factor beta receptor 2; plus strand). Cytogenetic location: 3p24.1.
Variant type: single nucleotide variant.
Coding change: c.1512G>A on transcript NM_003242.6 (MANE Select); coding-DNA position 1512, G replaced by A.
Protein change: p.Trp504Ter; replaces tryptophan 504 with a stop codon.
Molecular consequence: nonsense.
Genome position (GRCh38, 1-based): chr3:30,688,499, G>A. VCF-style: chr3-30688499-G-A. GRCh37 (hg19) VCF-style: chr3-30729991-G-A.
Other names: c.1512G>A (NM_003242.5); c.1587G>A, p.Trp529Ter (NM_001024847.3); c.1695G>A, p.Trp565Ter (NM_001407126.1); c.1620G>A, p.Trp540Ter (NM_001407127.1); c.1539G>A, p.Trp513Ter (NM_001407128.1); c.1515G>A, p.Trp505Ter (NM_001407129.1); c.1509G>A, p.Trp503Ter (NM_001407130.1); c.1407G>A, p.Trp469Ter (NM_001407132.1, NM_001407133.1, NM_001407134.1 and 2 more transcripts); and 3 more; short protein forms W504*, W529*, W214*, W505*, W384*, W513*, W409*, W469*.
Identifiers: ClinVar variation 694685 (VCV000694685.8), dbSNP rs1575165272, ClinGen allele CA351809437.